The following is an entry in ClinVar:

NM_001103.4(ACTN2):c.242-84G>A

Gene: ACTN2 (actinin alpha 2; plus strand). Cytogenetic location: 1q43.
Variant type: single nucleotide variant.
Coding change: c.242-84G>A on transcript NM_001103.4 (MANE Select); 84 bases into the intron before coding-DNA position 242, G replaced by A.
Molecular consequence: intron variant.
Genome position (GRCh38, 1-based): chr1:236,718,810, G>A. VCF-style: chr1-236718810-G-A. GRCh37 (hg19) VCF-style: chr1-236882110-G-A.
Other names: c.-580-84G>A (NM_001278344.2); c.242-84G>A (NM_001278343.2).
Identifiers: ClinVar variation 671983 (VCV000671983.5), dbSNP rs1341865, ClinGen allele CA39709631.

ClinVar aggregate classification (germline): Benign. Review status: criteria provided, multiple submitters, no conflicts (2 of 4 stars). 3 submissions from 3 submitters: Benign (3). Last evaluated 2021-07-14.

Conditions:
Myopathy, congenital, with structured cores and z-line abnormalities. Also called: MULTIPLE STRUCTURED CORE DISEASE; CONGENITAL MYOPATHY 8. Identifiers: MedGen C5231445, MONDO:0032852, OMIM 618654.

Allele frequency attached by ClinVar (database versions not stated): 1000 Genomes Project 30x 0.99126; TOPMed 0.99229; 1000 Genomes Project 0.99261; gnomAD 0.99335; gnomAD exomes 0.99939.
gnomAD v4.1: 1,593,173 of 1,595,106 alleles (100%); highest among the groups gnomAD compares: East Asian, 100%; 795,638 homozygotes.

Submissions (3):

Genome-Nilou Lab
Classification: Benign for Myopathy, congenital, with structured cores and z-line abnormalities. Last evaluated: 2021-07-14. Review status: criteria provided, single submitter. Criteria: ACMG Guidelines, 2015. Collection method: clinical testing. Allele origin: germline. Affected: no.

GeneDx
Classification: Benign. Last evaluated: 2018-06-14. Review status: criteria provided, single submitter. Criteria: GeneDx Variant Classification (06012015). Collection method: clinical testing. Allele origin: germline. Affected: yes.
Comment: This variant is considered likely benign or benign based on one or more of the following criteria: it is a conservative change, it occurs at a poorly conserved position in the protein, it is predicted to be benign by multiple in silico algorithms, and/or has population frequency not consistent with disease.

Breakthrough Genomics
Classification: Benign. Review status: criteria provided, single submitter. Criteria: ACMG Guidelines, 2015. Collection method: not provided. Allele origin: germline. Inheritance: Autosomal dominant inheritance. Affected: yes.